The following is an entry in ClinVar:

NM_001283009.2(RTEL1):c.508C>T (p.Arg170Cys)

Genes: RTEL1 (regulator of telomere elongation helicase 1; plus strand), RTEL1-TNFRSF6B (RTEL1-TNFRSF6B readthrough (NMD candidate); plus strand). Cytogenetic location: 20q13.33.
Variant type: single nucleotide variant.
Coding change: c.508C>T on transcript NM_001283009.2 (MANE Select); coding-DNA position 508, C replaced by T.
Protein change: p.Arg170Cys; replaces arginine 170 with cysteine.
Molecular consequence: missense variant. On other transcripts: non-coding transcript variant (1), 5 prime UTR variant (1).
Genome position (GRCh38, 1-based): chr20:63,662,859, C>T. VCF-style: chr20-63662859-C-T. GRCh37 (hg19) VCF-style: chr20-62294212-C-T.
Other names: c.580C>T (NM_032957.4); c.-162C>T (NM_001283010.1); c.508C>T, p.Arg170Cys (NM_016434.4); c.580C>T, p.Arg194Cys (NM_032957.5); short protein forms R194C, R170C.
Identifiers: ClinVar variation 1352514 (VCV001352514.8), dbSNP rs866785110, ClinGen allele CA317489580.
Genomic context (GRCh38, chr20:63,662,859, plus strand): 5'-CAGCTGCGCACTCTGCCCTTCCTCCCACAGATCCACTTGTGCCGTAAGAAGGTGGCAAGT[C>T]GCTCCTGTCATTTCTACAACAACGTAGAAGGTACAAGCAGCTGGGTGGGACCAGGGTCGG-3'
Protein context (NP_001269938.1, residues 160-180): IHLCRKKVAS[Arg170Cys]SCHFYNNVEE

ClinVar aggregate classification (germline): Uncertain significance. Review status: criteria provided, multiple submitters, no conflicts (2 of 4 stars). 2 submissions from 2 submitters: Uncertain significance (2). Last evaluated 2024-12-16.

Conditions:
Dyskeratosis congenita, autosomal recessive 5 (DKCB5). Identifiers: MedGen C3554656, MONDO:0014076, OMIM 615190.
Pulmonary fibrosis and/or bone marrow failure, Telomere-related, 3. Also called: PULMONARY FIBROSIS AND/OR BONE MARROW FAILURE SYNDROME, TELOMERE-RELATED, 3. Identifiers: Orphanet 2032, MedGen C4225346, MONDO:0014613, OMIM 616373.
Inborn genetic diseases. Identifiers: MedGen C0950123, MeSH D030342.

gnomAD v4.1: 5 of 1,613,994 alleles (0.00031%); highest among the groups gnomAD compares: Admixed American, 0.0017%; no homozygotes.

Submissions (2):

Labcorp Genetics (formerly Invitae), Labcorp
Classification: Uncertain significance for Dyskeratosis congenita, autosomal recessive 5; Pulmonary fibrosis and/or bone marrow failure, Telomere-related, 3. Last evaluated: 2024-12-16. Review status: criteria provided, single submitter. Criteria: Invitae Variant Classification Sherloc (09022015). Collection method: clinical testing. Allele origin: germline.
Comment: This sequence change replaces arginine, which is basic and polar, with cysteine, which is neutral and slightly polar, at codon 170 of the RTEL1 protein (p.Arg170Cys). This variant is not present in population databases (gnomAD no frequency). This variant has not been reported in the literature in individuals affected with RTEL1-related conditions. ClinVar contains an entry for this variant (Variation ID: 1352514). An algorithm developed to predict the effect of missense changes on protein structure and function (PolyPhen-2) suggests that this variant is likely to be disruptive. In summary, the available evidence is currently insufficient to determine the role of this variant in disease. Therefore, it has been classified as a Variant of Uncertain Significance.

Ambry Genetics
Classification: Uncertain significance for Inborn genetic diseases. Last evaluated: 2022-02-22. Review status: criteria provided, single submitter. Criteria: Ambry Variant Classification Scheme 2023. Collection method: clinical testing. Allele origin: germline.